The following is an entry in ClinVar:

ClinVar aggregate classification (germline): Uncertain significance. Review status: criteria provided, multiple submitters, no conflicts (2 of 4 stars). 2 submissions from 2 submitters: Uncertain significance (2). Last evaluated 2021-10-19.

Conditions:
Alanine glyoxylate aminotransferase deficiency. Identifiers: MedGen CN305373, MONDO:0100278.

Allele frequency attached by ClinVar (database versions not stated): ESP Exome Variant Server 0.00008.
gnomAD v4.1: 65 of 1,612,982 alleles (0.004%); highest among the groups gnomAD compares: Admixed American, 0.017%; no homozygotes.

Submissions (2):

Department of Pathology and Laboratory Medicine, Sinai Health System
Classification: Uncertain significance for alanine glyoxylate aminotransferase deficiency. Last evaluated: 2021-10-19. Review status: criteria provided, single submitter. Criteria: ACMG Guidelines, 2015. Collection method: research. Allele origin: germline.

Labcorp Genetics (formerly Invitae), Labcorp
Classification: Uncertain significance. Last evaluated: 2021-09-08. Review status: criteria provided, single submitter. Criteria: Invitae Variant Classification Sherloc (09022015). Collection method: clinical testing. Allele origin: germline.
Comment: This sequence change replaces proline with serine at codon 11 of the AGXT protein (p.Pro11Ser). The proline residue is highly conserved and there is a moderate physicochemical difference between proline and serine. This variant is present in population databases (rs375712696, ExAC 0.02%). This variant has not been reported in the literature in individuals affected with AGXT-related conditions. Algorithms developed to predict the effect of missense changes on protein structure and function are either unavailable or do not agree on the potential impact of this missense change (SIFT: "Deleterious"; PolyPhen-2: "Probably Damaging"; Align-GVGD: "Class C0"). In summary, the available evidence is currently insufficient to determine the role of this variant in disease. Therefore, it has been classified as a Variant of Uncertain Significance.

NM_000030.3(AGXT):c.31C>T (p.Pro11Ser)

Gene: AGXT (alanine--glyoxylate aminotransferase; plus strand). Cytogenetic location: 2q37.3.
Variant type: single nucleotide variant.
Coding change: c.31C>T on transcript NM_000030.3 (MANE Select); coding-DNA position 31, C replaced by T.
Protein change: p.Pro11Ser; replaces proline 11 with serine.
Molecular consequence: missense variant.
Genome position (GRCh38, 1-based): chr2:240,868,896, C>T. VCF-style: chr2-240868896-C-T. GRCh37 (hg19) VCF-style: chr2-241808313-C-T.
Other names: short protein forms P11S.
Identifiers: ClinVar variation 2069242 (VCV002069242.2), dbSNP rs375712696, ClinGen allele CA2208968.